The following is an entry in ClinVar:

NM_203475.3(PORCN):c.787G>A (p.Glu263Lys)

Gene: PORCN (porcupine O-acyltransferase; plus strand). Cytogenetic location: Xp11.23.
Variant type: single nucleotide variant.
Coding change: c.787G>A on transcript NM_203475.3 (MANE Select); coding-DNA position 787, G replaced by A.
Protein change: p.Glu263Lys; replaces glutamic acid 263 with lysine.
Molecular consequence: missense variant.
Genome position (GRCh38, 1-based): chrX:48,514,307, G>A. VCF-style: chrX-48514307-G-A. GRCh37 (hg19) VCF-style: chrX-48372695-G-A.
Other names: c.787G>A (NM_203475.2); c.541G>A, p.Glu181Lys (NM_001282167.2); c.754G>A, p.Glu252Lys (NM_022825.4); c.772G>A, p.Glu258Lys (NM_203473.3); c.769G>A, p.Glu257Lys (NM_203474.1); short protein forms E258K, E263K, E252K, E181K, E257K.
Identifiers: ClinVar variation 449084 (VCV000449084.10), dbSNP rs1556974682, ClinGen allele CA412846424.

ClinVar aggregate classification (germline): Conflicting classifications of pathogenicity. Review status: criteria provided, conflicting classifications (1 of 4 stars). 4 submissions from 4 submitters: Pathogenic (2); Likely pathogenic (1); Uncertain significance (1). Last evaluated 2025-12-08.

Conditions:
PORCN-related disorder. Also called: PORCN-related condition.
Inborn genetic diseases. Identifiers: MedGen C0950123, MeSH D030342.

Submissions (4):

PreventionGenetics, part of Exact Sciences
Classification: Likely pathogenic for PORCN-related condition. Last evaluated: 2025-12-08. Review status: criteria provided, single submitter. Criteria: ACMG Guidelines, 2015. Collection method: clinical testing. Allele origin: germline.
Comment: The PORCN c.787G>A variant is predicted to result in the amino acid substitution p.Glu263Lys. This variant has been reported in individuals with features of focal dermal hypoplasia (Supp. Table 3, Retterer et al. 2016. PubMed ID: 26633542; Divyasri and Kunnuru. 2024. PubMed ID: 39613420; Slavotinek et al. 2019. PubMed ID: 25640089). This variant has not been reported in a large population database (gnomAD), indicating this variant is rare. This variant is interpreted as likely pathogenic.

Labcorp Genetics (formerly Invitae), Labcorp
Classification: Uncertain significance. Last evaluated: 2025-10-17. Review status: criteria provided, single submitter. Criteria: Invitae Variant Classification Sherloc (09022015). Collection method: clinical testing. Allele origin: germline.
Comment: This sequence change replaces glutamic acid, which is acidic and polar, with lysine, which is basic and polar, at codon 263 of the PORCN protein (p.Glu263Lys). This variant is not present in population databases (gnomAD no frequency). This missense change has been observed in individual(s) with clinical features of Goltz syndrome (PMID: 26633542; internal data). ClinVar contains an entry for this variant (Variation ID: 449084). Invitae Evidence Modeling of protein sequence and biophysical properties (such as structural, functional, and spatial information, amino acid conservation, physicochemical variation, residue mobility, and thermodynamic stability) indicates that this missense variant is expected to disrupt PORCN protein function with a positive predictive value of 95%. In summary, the available evidence is currently insufficient to determine the role of this variant in disease. Therefore, it has been classified as a Variant of Uncertain Significance.

Ambry Genetics
Classification: Pathogenic for Inborn genetic diseases. Last evaluated: 2025-06-18. Review status: criteria provided, single submitter. Criteria: Ambry Variant Classification Scheme 2023. Collection method: clinical testing. Allele origin: germline.
Comment: The c.787G>A (p.E263K) alteration is located in exon 8 (coding exon 8) of the PORCN gene. This alteration results from a G to A substitution at nucleotide position 787, causing the glutamic acid (E) at amino acid position 263 to be replaced by a lysine (K). This variant was not reported in population-based cohorts in the Genome Aggregation Database (gnomAD). This variant was reported in individual(s) with features consistent with focal dermal hypoplasia; in at least one individual, it was determined to be de novo (Divyasri, 2024; Slavotinek, 2019; Sheu, 2015; external communication). This amino acid position is highly conserved in available vertebrate species. This alteration is predicted to be deleterious by in silico analysis. Based on the available evidence, this alteration is classified as pathogenic.

GeneDx
Classification: Pathogenic. Last evaluated: 2023-01-19. Review status: criteria provided, single submitter. Criteria: GeneDx Variant Classification Process June 2021. Collection method: clinical testing. Allele origin: germline. Affected: yes.
Comment: Identified in a patient with right microphthalmia, bilateral colobomas, and a repaired cleft lip (Slavotinek, 2018); Not observed at significant frequency in large population cohorts (gnomAD); In silico analysis supports that this missense variant has a deleterious effect on protein structure/function; This variant is associated with the following publications: (PMID: 26633542, 30374660)

Literature cited by the submitters: PubMed 26633542 (cited by Labcorp Genetics (formerly Invitae), Labcorp); PubMed 25640089 (cited by Ambry Genetics); PubMed 30374660 (cited by Ambry Genetics); PubMed 39613420 (cited by Ambry Genetics).